The following is an entry in ClinVar:

NM_001127511.3(APC):c.-192A>T

Genes: APC (APC regulator of Wnt signaling pathway; plus strand), LOC129994371 (ATAC-STARR-seq lymphoblastoid active region 22910; plus strand). Cytogenetic location: 5q22.2.
Variant type: single nucleotide variant.
Coding change: c.-192A>T on transcript NM_001127511.3; 192 bases upstream of the start codon, A replaced by T.
Molecular consequence: 5 prime UTR variant. On other transcripts: non-coding transcript variant (2).
Genome position (GRCh38, 1-based): chr5:112,707,526, A>T. VCF-style: chr5-112707526-A-T. GRCh37 (hg19) VCF-style: chr5-112043223-A-T.
Other names: -192A-T; c.-375A>T (NM_001354895.2, NM_001407447.1, NM_001407452.1 and 3 more transcripts); c.-192A>T (NM_001354897.2, NM_001354902.2, NM_001407446.1); c.-142A>T (NM_001407448.1, NM_001407450.1, NM_001407457.1 and 1 more transcripts); c.-166A>T (NM_001407453.1); c.-1410A>T (NM_001407470.1, NM_001407472.1).
Identifiers: ClinVar variation 243007 (VCV000243007.6), dbSNP rs879253784, ClinGen allele CA10584054.

ClinVar aggregate classification (germline): Conflicting classifications of pathogenicity. Review status: criteria provided, conflicting classifications (1 of 4 stars). 3 submissions from 3 submitters: Likely pathogenic (1); Uncertain significance (1). 1 of the submissions does not count toward it. Last evaluated 2025-11-11.

Conditions:
Classic or attenuated familial adenomatous polyposis. Identifiers: MedGen CN372698, MONDO:0021057.
Familial adenomatous polyposis 1 (FAP1). Also called: FAMILIAL ADENOMATOUS POLYPOSIS 1, ATTENUATED; POLYPOSIS, ADENOMATOUS INTESTINAL. Identifiers: MedGen C2713442, MONDO:0021056, OMIM 175100. Disease mechanism: loss of function.

Submissions (3):

Labcorp Genetics (formerly Invitae), Labcorp
Classification: Uncertain significance for Familial adenomatous polyposis 1. Last evaluated: 2025-11-11. Review status: criteria provided, single submitter. Criteria: Invitae Variant Classification Sherloc (09022015). Collection method: clinical testing. Allele origin: germline.
Comment: This variant occurs in a non-coding region of the APC gene. It does not change the encoded amino acid sequence of the APC protein. This variant is not present in population databases (gnomAD no frequency). This variant has been observed in individual(s) with familial adenomatous polyposis (PMID: 20685668). This variant is also known as c.-192A>T. Algorithms developed to predict the effect of variants on gene product structure and function are not available or were not evaluated for this variant. Experimental studies have shown that this variant affects APC function (PMID: 27087319). In summary, the available evidence is currently insufficient to determine the role of this variant in disease. Therefore, it has been classified as a Variant of Uncertain Significance.

Department of Pathology and Laboratory Medicine, Sinai Health System
Classification: Likely pathogenic for classic or attenuated familial adenomatous polyposis. Review status: criteria provided, single submitter. Criteria: ACMG Guidelines, 2015. Collection method: clinical testing. Allele origin: germline.

OMIM
Classification: Pathogenic for FAMILIAL ADENOMATOUS POLYPOSIS 1. Last evaluated: 2025-09-04. Review status: no assertion criteria provided. Collection method: literature only. Allele origin: germline. Not counted in ClinVar's aggregate classification.

Literature cited by the submitters: PubMed 20685668 (cited by Labcorp Genetics (formerly Invitae), Labcorp and OMIM); PubMed 27087319 (cited by Labcorp Genetics (formerly Invitae), Labcorp and OMIM).